The following is an entry in ClinVar:

NM_000059.4(BRCA2):c.1045A>G (p.Lys349Glu)

Gene: BRCA2 (BRCA2 DNA repair associated; plus strand). Cytogenetic location: 13q13.1.
Variant type: single nucleotide variant.
Coding change: c.1045A>G on transcript NM_000059.4 (MANE Select); coding-DNA position 1045, A replaced by G.
Protein change: p.Lys349Glu; replaces lysine 349 with glutamic acid.
Molecular consequence: missense variant.
Genome position (GRCh38, 1-based): chr13:32,332,523, A>G. VCF-style: chr13-32332523-A-G. GRCh37 (hg19) VCF-style: chr13-32906660-A-G.
Other names: short protein forms K349E.
Identifiers: ClinVar variation 924311 (VCV000924311.11), dbSNP rs2072403180, ClinGen allele CA387761251.
Genomic context (GRCh38, chr13:32,332,523, plus strand): 5'-AGGAAAAAAATTTTCCATGAAGCAAACGCTGATGAATGTGAAAAATCTAAAAACCAAGTG[A>G]AAGAAAAATACTCATTTGTATCTGAAGTGGAACCAAATGATACTGATCCATTAGATTCAA-3'
Protein context (NP_000050.3, residues 339-359): DECEKSKNQV[Lys349Glu]EKYSFVSEVE

ClinVar aggregate classification (germline): Conflicting classifications of pathogenicity. Review status: criteria provided, conflicting classifications (1 of 4 stars). 5 submissions from 5 submitters: Uncertain significance (2); Benign (1); Likely benign (2). Last evaluated 2024-04-10.

Conditions:
Hereditary cancer-predisposing syndrome. Also called: Neoplastic Syndromes, Hereditary; Tumor predisposition; Hereditary Cancer Syndrome; Hereditary neoplastic syndrome. Identifiers: Orphanet 140162, MedGen C0027672, MeSH D009386, MONDO:0015356.
Hereditary breast ovarian cancer syndrome. Also called: Hereditary breast and ovarian cancer syndrome; BRCA1- and BRCA2-Associated Hereditary Breast and Ovarian Cancer; Hereditary breast and ovarian cancer; Hereditary breast and ovarian cancer syndrome (HBOC); Breast and ovarian cancer; Hereditary breast and/or ovarian cancer syndrome. Identifiers: Orphanet 145, MedGen C0677776, MeSH D061325, MONDO:0003582. Disease mechanism: loss of function.

Allele frequency attached by ClinVar (database versions not stated): gnomAD exomes below 0.00001.
gnomAD v4.1: 2 of 1,611,778 alleles (0.00012%); highest among the groups gnomAD compares: African/African-American, 0.0027%; no homozygotes.

Submissions (5):

Ambry Genetics
Classification: Likely benign for Hereditary cancer-predisposing syndrome. Last evaluated: 2024-04-10. Review status: criteria provided, single submitter. Criteria: Ambry Variant Classification Scheme 2023. Collection method: clinical testing. Allele origin: germline.

Labcorp Genetics (formerly Invitae), Labcorp
Classification: Uncertain significance for Hereditary breast ovarian cancer syndrome. Last evaluated: 2023-06-05. Review status: criteria provided, single submitter. Criteria: Invitae Variant Classification Sherloc (09022015). Collection method: clinical testing. Allele origin: germline.
Comment: In summary, the available evidence is currently insufficient to determine the role of this variant in disease. Therefore, it has been classified as a Variant of Uncertain Significance. Advanced modeling of protein sequence and biophysical properties (such as structural, functional, and spatial information, amino acid conservation, physicochemical variation, residue mobility, and thermodynamic stability) performed at Invitae indicates that this missense variant is not expected to disrupt BRCA2 protein function. ClinVar contains an entry for this variant (Variation ID: 924311). This variant has not been reported in the literature in individuals affected with BRCA2-related conditions. This variant is not present in population databases (gnomAD no frequency). This sequence change replaces lysine, which is basic and polar, with glutamic acid, which is acidic and polar, at codon 349 of the BRCA2 protein (p.Lys349Glu).

University of Washington Department of Laboratory Medicine, University of Washington
Classification: Likely benign for Hereditary cancer-predisposing syndrome. Last evaluated: 2023-03-23. Review status: criteria provided, single submitter. Criteria: Dines et al. (Genet Med. 2020). Collection method: curation. Allele origin: germline.
Comment: Missense variant in a coldspot region where missense variants are very unlikely to be pathogenic (PMID:31911673).

BRCA2 exon 10 coldspot. Reclassification based on statistical prior probability.

Mendelics
Classification: Benign. Last evaluated: 2022-05-04. Review status: criteria provided, single submitter. Criteria: Mendelics Assertion Criteria 2019. Collection method: clinical testing. Allele origin: germline.

Color Diagnostics, LLC DBA Color Health
Classification: Uncertain significance for Hereditary cancer-predisposing syndrome. Last evaluated: 2019-06-13. Review status: criteria provided, single submitter. Criteria: ACMG Guidelines, 2015. Collection method: clinical testing. Allele origin: germline.